The following is an entry in ClinVar:

NM_000059.4(BRCA2):c.6385G>T (p.Glu2129Ter)

Gene: BRCA2 (BRCA2 DNA repair associated; plus strand). Cytogenetic location: 13q13.1.
Variant type: single nucleotide variant.
Coding change: c.6385G>T on transcript NM_000059.4 (MANE Select); coding-DNA position 6385, G replaced by T.
Protein change: p.Glu2129Ter; replaces glutamic acid 2129 with a stop codon.
Molecular consequence: nonsense.
Genome position (GRCh38, 1-based): chr13:32,340,740, G>T. VCF-style: chr13-32340740-G-T. GRCh37 (hg19) VCF-style: chr13-32914877-G-T.
Other names: 6613G>T (E2129X); p.Glu2129*; short protein forms E2129*.
Identifiers: ClinVar variation 266943 (VCV000266943.13), dbSNP rs886040653, ClinGen allele CA10589373.

ClinVar aggregate classification (germline): Pathogenic. Review status: reviewed by expert panel (3 of 4 stars). 6 submissions from 6 submitters: Pathogenic (1). 5 of the submissions do not count toward it. Last evaluated 2016-10-18.

Conditions:
Breast-ovarian cancer, familial, susceptibility to, 2 (BROVCA2). Also called: BRCA2 Hereditary Breast and Ovarian Cancer. Identifiers: Orphanet 145, MedGen C2675520, MONDO:0012933, OMIM 612555. Disease mechanism: loss of function.
Hereditary cancer-predisposing syndrome. Also called: Hereditary neoplastic syndrome; Neoplastic Syndromes, Hereditary; Tumor predisposition; Hereditary Cancer Syndrome. Identifiers: Orphanet 140162, MedGen C0027672, MeSH D009386, MONDO:0015356.
Hereditary breast ovarian cancer syndrome. Also called: BRCA1- and BRCA2-Associated Hereditary Breast and Ovarian Cancer; Hereditary breast and ovarian cancer; Breast and ovarian cancer; Hereditary breast and/or ovarian cancer syndrome; Hereditary breast and ovarian cancer syndrome; Hereditary breast and ovarian cancer syndrome (HBOC). Identifiers: Orphanet 145, MedGen C0677776, MeSH D061325, MONDO:0003582. Disease mechanism: loss of function.
Ovarian neoplasm. Also called: Neoplasm of ovary; Ovarian tumor; Ovarian Neoplasms. Identifiers: MedGen C0919267, MeSH D010051, MONDO:0021068, HP:0100615.

Allele frequency attached by ClinVar (database versions not stated): gnomAD exomes below 0.00001.
gnomAD v4.1: 1 of 1,605,950 alleles (0.000062%); highest among the groups gnomAD compares: Non-Finnish European, 0.000085%; no homozygotes.

Submissions (6):

Evidence-based Network for the Interpretation of Germline Mutant Alleles (ENIGMA)
Classification: Pathogenic for Breast-ovarian cancer, familial, susceptibility to, 2. Last evaluated: 2016-10-18. Review status: reviewed by expert panel. Criteria: ENIGMA BRCA1/2 Classification Criteria (2015). Collection method: curation. Allele origin: germline.
Comment: Variant allele predicted to encode a truncated non-functional protein.

Labcorp Genetics (formerly Invitae), Labcorp
Classification: Pathogenic for Hereditary breast ovarian cancer syndrome. Last evaluated: 2023-10-28. Review status: criteria provided, single submitter. Criteria: Invitae Variant Classification Sherloc (09022015). Collection method: clinical testing. Allele origin: germline. Not counted in ClinVar's aggregate classification.
Comment: This sequence change creates a premature translational stop signal (p.Glu2129*) in the BRCA2 gene. It is expected to result in an absent or disrupted protein product. Loss-of-function variants in BRCA2 are known to be pathogenic (PMID: 20104584). This variant is not present in population databases (gnomAD no frequency). This premature translational stop signal has been observed in individual(s) with breast cancer (PMID: 32072338). ClinVar contains an entry for this variant (Variation ID: 266943). For these reasons, this variant has been classified as Pathogenic.

Mayo Clinic Laboratories, Mayo Clinic
Classification: Pathogenic. Last evaluated: 2023-10-02. Review status: criteria provided, single submitter. Criteria: ACMG Guidelines, 2015. Collection method: clinical testing. Allele origin: germline. Observed: 2 variant alleles. Not counted in ClinVar's aggregate classification.
Comment: PM2, PM5_strong, PVS1

Ambry Genetics
Classification: Pathogenic for Hereditary cancer-predisposing syndrome. Last evaluated: 2021-09-01. Review status: criteria provided, single submitter. Criteria: Ambry Variant Classification Scheme 2023. Collection method: clinical testing. Allele origin: germline. Not counted in ClinVar's aggregate classification.
Comment: The p.E2129* pathogenic mutation (also known as c.6385G>T), located in coding exon 10 of the BRCA2 gene, results from a G to T substitution at nucleotide position 6385. This changes the amino acid from a glutamic acid to a stop codon within coding exon 10. This alteration was identified in a large, worldwide study of BRCA1/2 mutation positive families (Rebbeck TR et al. Hum Mutat, 2018 05;39:593-620). This alteration is expected to result in loss of function by premature protein truncation or nonsense-mediated mRNA decay. As such, this alteration is interpreted as a disease-causing mutation.

Consortium of Investigators of Modifiers of BRCA1/2 (CIMBA), c/o University of Cambridge
Classification: Pathogenic for Breast-ovarian cancer, familial, susceptibility to, 2. Last evaluated: 2015-10-02. Review status: criteria provided, single submitter. Criteria: CIMBA Mutation Classification guidelines May 2016. Collection method: clinical testing. Allele origin: germline. Not counted in ClinVar's aggregate classification.

German Consortium for Hereditary Breast and Ovarian Cancer, University Hospital Cologne
Classification: Pathogenic for Ovarian neoplasm. Last evaluated: 2018-12-01. Review status: no assertion criteria provided. Collection method: research. Allele origin: somatic. Affected: yes. Not counted in ClinVar's aggregate classification.

Literature cited by the submitters: PubMed 20104584 (cited by Labcorp Genetics (formerly Invitae), Labcorp); PubMed 32072338 (cited by Labcorp Genetics (formerly Invitae), Labcorp and Mayo Clinic Laboratories, Mayo Clinic); PubMed 29446198 (cited by Ambry Genetics); PubMed 33808557 (cited by Ambry Genetics).